The following is an entry in ClinVar:

ClinVar aggregate classification (germline): Pathogenic (1 of 4 stars; one submission).

Submission:

GeneDx
Classification: Pathogenic. Last evaluated: 2024-05-09. Review status: criteria provided, single submitter. Criteria: GeneDx Variant Classification Process June 2021. Collection method: clinical testing. Allele origin: germline. Affected: yes.
Comment: Not observed at significant frequency in large population cohorts (gnomAD); In silico analysis supports that this missense variant has a deleterious effect on protein structure/function; This variant is associated with the following publications: (PMID: 35982160, 31133750, 35982159, 25363768, 28191890, 28714951, 34011629)

NM_001958.5(EEF1A2):c.1145G>A (p.Arg382His)

Gene: EEF1A2 (eukaryotic translation elongation factor 1 alpha 2; minus strand). Cytogenetic location: 20q13.33.
Variant type: single nucleotide variant.
Coding change: c.1145G>A on transcript NM_001958.5 (MANE Select); coding-DNA position 1145, G replaced by A.
Protein change: p.Arg382His; replaces arginine 382 with histidine.
Molecular consequence: missense variant.
Genome position (GRCh38, 1-based): chr20:63,489,037, C>T on the plus strand (G>A on the coding strand, the complement: EEF1A2 is on the minus strand). VCF-style: chr20-63489037-C-T. GRCh37 (hg19) VCF-style: chr20-62120390-C-T.
Other names: short protein forms R382H.
Identifiers: ClinVar variation 3375739 (VCV003375739.1).